The following is an entry in ClinVar:

NM_130810.4(DNAAF4):c.229A>G (p.Lys77Glu)

Genes: DNAAF4 (dynein axonemal assembly factor 4; minus strand), DNAAF4-CCPG1 (DNAAF4-CCPG1 readthrough (NMD candidate); minus strand). Cytogenetic location: 15q21.3.
Variant type: single nucleotide variant.
Coding change: c.229A>G on transcript NM_130810.4 (MANE Select); coding-DNA position 229, A replaced by G.
Protein change: p.Lys77Glu; replaces lysine 77 with glutamic acid.
Molecular consequence: missense variant. On other transcripts: non-coding transcript variant (1).
Genome position (GRCh38, 1-based): chr15:55,497,754, T>C on the plus strand (A>G on the coding strand, the complement: DNAAF4 is on the minus strand). VCF-style: chr15-55497754-T-C. GRCh37 (hg19) VCF-style: chr15-55789952-T-C.
Other names: c.229A>G, p.Lys77Glu (NM_001033559.3, NM_001033560.2); short protein forms K77E.
Identifiers: ClinVar variation 1433036 (VCV001433036.3), dbSNP rs759956885, ClinGen allele CA7575102.
Genomic context (GRCh38, chr15:55,497,754, plus strand): 5'-TTTTAATAAAGAACTTACCACCCGTCACAGAAAGGGTCTCCCACATGGCCGCTTCTTTTT[T>C]ATACAAGGTGAAGACAATGGTGTCATTCCCAATCTTTGCTTTGCTGCTCTCATCGTCTAT-3'
Protein context (NP_570722.2, residues 67-87): GNDTIVFTLY[Lys77Glu]KEAAMWETLS

ClinVar aggregate classification (germline): Uncertain significance (1 of 4 stars; one submission).

Allele frequency attached by ClinVar (database versions not stated): gnomAD exomes below 0.00001; ExAC 0.00001.
gnomAD v4.1: 2 of 1,613,780 alleles (0.00012%); highest among the groups gnomAD compares: East Asian, 0.0022%; no homozygotes.

Submission:

Labcorp Genetics (formerly Invitae), Labcorp
Classification: Uncertain significance. Last evaluated: 2022-01-16. Review status: criteria provided, single submitter. Criteria: Invitae Variant Classification Sherloc (09022015). Collection method: clinical testing. Allele origin: germline.
Comment: This sequence change replaces lysine, which is basic and polar, with glutamic acid, which is acidic and polar, at codon 77 of the DNAAF4 protein (p.Lys77Glu). This variant is present in population databases (rs759956885, gnomAD 0.003%). This variant has not been reported in the literature in individuals affected with DNAAF4-related conditions. Algorithms developed to predict the effect of missense changes on protein structure and function are either unavailable or do not agree on the potential impact of this missense change (SIFT: "Deleterious"; PolyPhen-2: "Probably Damaging"; Align-GVGD: "Class C0"). In summary, the available evidence is currently insufficient to determine the role of this variant in disease. Therefore, it has been classified as a Variant of Uncertain Significance.